The following is an entry in ClinVar:

NM_003072.5(SMARCA4):c.89C>T (p.Pro30Leu)

Gene: SMARCA4 (SWI/SNF related BAF chromatin remodeling complex subunit ATPase 4; plus strand). Cytogenetic location: 19p13.2.
Variant type: single nucleotide variant.
Coding change: c.89C>T on transcript NM_003072.5 (MANE Select); coding-DNA position 89, C replaced by T.
Protein change: p.Pro30Leu; replaces proline 30 with leucine.
Molecular consequence: missense variant. On other transcripts: non-coding transcript variant (1).
Genome position (GRCh38, 1-based): chr19:10,984,240, C>T. VCF-style: chr19-10984240-C-T. GRCh37 (hg19) VCF-style: chr19-11094916-C-T.
Other names: c.89C>T, p.Pro30Leu (NM_001128844.3, NM_001128846.2, NM_001128845.2 and 6 more transcripts); short protein forms P30L.
Identifiers: ClinVar variation 1765401 (VCV001765401.3), dbSNP rs2145722893, ClinGen allele CA404054139.

ClinVar aggregate classification (germline): Uncertain significance (1 of 4 stars; one submission).

Conditions:
Hereditary cancer-predisposing syndrome. Also called: Neoplastic Syndromes, Hereditary; Tumor predisposition; Hereditary Cancer Syndrome; Hereditary neoplastic syndrome. Identifiers: Orphanet 140162, MedGen C0027672, MeSH D009386, MONDO:0015356.

Submission:

Ambry Genetics
Classification: Uncertain significance for Hereditary cancer-predisposing syndrome. Last evaluated: 2023-03-01. Review status: criteria provided, single submitter. Criteria: Ambry Variant Classification Scheme 2023. Collection method: clinical testing. Allele origin: germline.
Comment: The p.P30L variant (also known as c.89C>T), located in coding exon 1 of the SMARCA4 gene, results from a C to T substitution at nucleotide position 89. The proline at codon 30 is replaced by leucine, an amino acid with similar properties. This amino acid position is highly conserved in available vertebrate species. In addition, the in silico prediction for this alteration is inconclusive. Missense and in-frame variants in SMARCA4 are known to cause neurodevelopmental disorders; however, such associations with rhabdoid tumor predisposition syndrome including small cell carcinoma of the ovary-hypercalcemic type (SCCOHT) are exceedingly rare (Kosho T et al. Am J Med Genet C Semin Med Genet. 2014 Sep;166C(3):262-75; Jelinic P et al. Nat Genet. 2014 May;46(5):424-6). Since supporting evidence is limited at this time, the clinical significance of this alteration remains unclear.